The following is an entry in ClinVar:

ClinVar aggregate classification (germline): Uncertain significance. Review status: criteria provided, multiple submitters, no conflicts (2 of 4 stars). 2 submissions from 2 submitters: Uncertain significance (2). Last evaluated 2024-07-10.

Conditions:
Autosomal recessive nonsyndromic hearing loss 63. Identifiers: Orphanet 90636, MedGen C1969621, MONDO:0012670, OMIM 611451.

gnomAD v4.1: 44 of 1,549,988 alleles (0.0028%); highest among the groups gnomAD compares: Admixed American, 0.035%; no homozygotes.

Submissions (2):

GeneDx
Classification: Uncertain significance. Last evaluated: 2024-07-10. Review status: criteria provided, single submitter. Criteria: GeneDx Variant Classification Process June 2021. Collection method: clinical testing. Allele origin: germline. Affected: yes.
Comment: In silico analysis indicates that this missense variant does not alter protein structure/function; Has not been previously published as pathogenic or benign to our knowledge

Department of Pathology and Laboratory Medicine, Sinai Health System
Classification: Uncertain significance for Autosomal recessive nonsyndromic hearing loss 63. Last evaluated: 2020-06-10. Review status: criteria provided, single submitter. Criteria: ACMG Guidelines, 2015. Collection method: research. Allele origin: germline.

NM_001145308.5(LRTOMT):c.491G>A (p.Arg164Gln)

Genes: ANAPC15 (anaphase promoting complex subunit 15; minus strand), LRTOMT (leucine rich transmembrane and O-methyltransferase domain containing; plus strand), TOMT (transmembrane O-methyltransferase; plus strand). Cytogenetic location: 11q13.4.
Variant type: single nucleotide variant.
Coding change: c.491G>A on transcript NM_001145308.5; coding-DNA position 491, G replaced by A.
Protein change: p.Arg164Gln; replaces arginine 164 with glutamine.
Molecular consequence: missense variant. On other transcripts: 3 prime UTR variant (3), non-coding transcript variant (1), intron variant (7).
Genome position (GRCh38, 1-based): chr11:72,108,055, G>A. VCF-style: chr11-72108055-G-A. GRCh37 (hg19) VCF-style: chr11-71819101-G-A.
Other names: c.392G>A, p.Arg131Gln (NM_001393500.2); c.491G>A, p.Arg164Gln (NM_001145309.4); c.371G>A, p.Arg124Gln (NM_001145310.4); c.*764C>T (NM_001393443.1, NM_001393444.1, NM_001393445.1); c.64-450C>T (NM_001393459.1); c.319-450C>T (NM_001393430.1, NM_001393429.1, NM_001393428.1 and 3 more transcripts); short protein forms R124Q, R131Q, R164Q.
Identifiers: ClinVar variation 3572482 (VCV003572482.2).
Genomic context (GRCh38, chr11:72,108,055, plus strand): 5'-ACTCTACCCTGCTTATTGCCCGAGCCCTGCCCCCTGGGGGTCGCCTTCTTACTGTGGAGC[G>A]GGACCCACGCACGGCAGCAGTGGCTGAAAAACTCATCCGCCTGGCCGGCTTTGATGAGCA-3'